The following is an entry in ClinVar:

NM_001378454.1(ALMS1):c.10693A>T (p.Ser3565Cys)

Gene: ALMS1 (ALMS1 centrosome and basal body associated protein; plus strand). Cytogenetic location: 2p13.1.
Variant type: single nucleotide variant.
Coding change: c.10693A>T on transcript NM_001378454.1 (MANE Select); coding-DNA position 10693, A replaced by T.
Protein change: p.Ser3565Cys; replaces serine 3565 with cysteine.
Molecular consequence: missense variant.
Genome position (GRCh38, 1-based): chr2:73,572,570, A>T. VCF-style: chr2-73572570-A-T. GRCh37 (hg19) VCF-style: chr2-73799697-A-T.
Other names: c.10696A>T, p.Ser3566Cys (NM_015120.4); short protein forms S3565C, S3566C.
Identifiers: ClinVar variation 2041066 (VCV002041066.1), dbSNP rs1381406599, ClinGen allele CA347284867.

ClinVar aggregate classification (germline): Uncertain significance (1 of 4 stars; one submission).

Conditions:
Alstrom syndrome (ALMS). Identifiers: Orphanet 64, MedGen C0268425, MONDO:0008763, OMIM 203800.

Allele frequency attached by ClinVar (database versions not stated): gnomAD exomes below 0.00001.
gnomAD v4.1: 2 of 1,613,926 alleles (0.00012%); highest among the groups gnomAD compares: Non-Finnish European, 0.00017%; no homozygotes.

Submission:

Labcorp Genetics (formerly Invitae), Labcorp
Classification: Uncertain significance for Alstrom syndrome. Last evaluated: 2022-01-23. Review status: criteria provided, single submitter. Criteria: Invitae Variant Classification Sherloc (09022015). Collection method: clinical testing. Allele origin: germline.
Comment: This sequence change replaces serine, which is neutral and polar, with cysteine, which is neutral and slightly polar, at codon 3566 of the ALMS1 protein (p.Ser3566Cys). This variant is present in population databases (no rsID available, gnomAD 0.0009%). This variant has not been reported in the literature in individuals affected with ALMS1-related conditions. Experimental studies and prediction algorithms are not available or were not evaluated, and the functional significance of this variant is currently unknown. In summary, the available evidence is currently insufficient to determine the role of this variant in disease. Therefore, it has been classified as a Variant of Uncertain Significance.